The following is an entry in ClinVar:

ClinVar aggregate classification (germline): Uncertain significance (1 of 4 stars; one submission).

Conditions:
Cardiovascular phenotype. Identifiers: MedGen CN230736.

Submission:

Ambry Genetics
Classification: Uncertain significance for Cardiovascular phenotype. Last evaluated: 2023-08-14. Review status: criteria provided, single submitter. Criteria: Ambry Variant Classification Scheme 2023. Collection method: clinical testing. Allele origin: germline.
Comment: The p.M1? variant (also known as c.3G>C) is located in coding exon 1 of the TRPM4 gene and results from a G to C substitution at nucleotide position 3. This alters the methionine residue at the initiation codon (ATG). Sequence variations that modify the initiation codon are expected to result in either loss of translation initiation, N-terminal truncation, or cause a shift in the mRNA reading frame. However, loss of function of TRPM4 has not been established as a mechanism of disease. Since supporting evidence is limited at this time, the clinical significance of this alteration remains unclear.

NM_017636.4(TRPM4):c.3G>C (p.Met1Ile)

Gene: TRPM4 (transient receptor potential cation channel subfamily M member 4; plus strand). Cytogenetic location: 19q13.33.
Variant type: single nucleotide variant.
Coding change: c.3G>C on transcript NM_017636.4 (MANE Select); coding-DNA position 3, G replaced by C.
Protein change: p.Met1Ile; changes the start codon (methionine 1).
Molecular consequence: missense variant, initiator codon variant. On other transcripts: 5 prime UTR variant (3).
Genome position (GRCh38, 1-based): chr19:49,157,869, G>C. VCF-style: chr19-49157869-G-C. GRCh37 (hg19) VCF-style: chr19-49661126-G-C.
Other names: c.3G>C, p.Met1Ile (NM_001195227.2, NM_001321281.2); c.-1370G>C (NM_001321282.2); c.-164G>C (NM_001321283.2); c.-327G>C (NM_001321285.2); short protein forms M1I.
Identifiers: ClinVar variation 2625621 (VCV002625621.2), dbSNP rs2514022995, ClinGen allele CA406787612.